The following is an entry in ClinVar:

NM_001355436.2(SPTB):c.940del (p.Leu314fs)

Gene: SPTB (spectrin beta, erythrocytic; minus strand). Cytogenetic location: 14q23.3.
Variant type: Deletion.
Coding change: c.940del on transcript NM_001355436.2 (MANE Select); coding-DNA position 940, one base deleted (C; older notation c.940delC).
Protein change: p.Leu314fs; shifts the reading frame from leucine 314.
Molecular consequence: frameshift variant.
Genome position (GRCh38, 1-based): chr14:64,799,871, G deleted on the plus strand (C on the coding strand, the reverse complement: SPTB is on the minus strand); the first of 2 consecutive G bases (chr14:64,799,871-64,799,872); deleting either gives the same sequence. VCF-style (leftmost placement, unchanged base first): chr14-64799870-AG-A. GRCh37 (hg19) VCF-style: chr14-65266588-AG-A.
Other names: c.940del, p.Leu314fs (NM_001024858.4, NM_001355437.2); short protein forms L314fs.
Identifiers: ClinVar variation 2628607 (VCV002628607.1), dbSNP rs2503198675, ClinGen allele CA2695199827.

ClinVar aggregate classification (germline): Likely pathogenic (1 of 4 stars; one submission).

Conditions:
SPTB-related disorder. Also called: SPTB-related condition; SPTB-Related Disorders.

Submission:

PreventionGenetics, part of Exact Sciences
Classification: Likely pathogenic for SPTB-related condition. Last evaluated: 2022-10-21. Review status: criteria provided, single submitter. Criteria: ACMG Guidelines, 2015. Collection method: clinical testing. Allele origin: germline.
Comment: The SPTB c.940delC variant is predicted to result in a frameshift and premature protein termination (p.Leu314Cysfs*12). To our knowledge, this variant has not been reported in the literature or in a large population database, indicating this variant is rare. This variant is interpreted as no interpretation set.